The following is an entry in ClinVar:

ClinVar aggregate classification (germline): Pathogenic (1 of 4 stars; one submission).

Submission:

Labcorp Genetics (formerly Invitae), Labcorp
Classification: Pathogenic. Last evaluated: 2022-04-13. Review status: criteria provided, single submitter. Criteria: Invitae Variant Classification Sherloc (09022015). Collection method: clinical testing. Allele origin: germline.
Comment: This sequence change creates a premature translational stop signal (p.Tyr1535*) in the COL4A5 gene. It is expected to result in an absent or disrupted protein product. Loss-of-function variants in COL4A5 are known to be pathogenic (PMID: 9195222, 10752524, 14514738, 24854265, 26809805). For these reasons, this variant has been classified as Pathogenic. This variant has not been reported in the literature in individuals affected with COL4A5-related conditions. This variant is not present in population databases (gnomAD no frequency).

Literature cited by the submitters: PubMed 9195222; PubMed 10752524; PubMed 14514738; PubMed 24854265; PubMed 26809805.

NM_033380.3(COL4A5):c.4623T>G (p.Tyr1541Ter)

Gene: COL4A5 (collagen type IV alpha 5 chain; plus strand). Cytogenetic location: Xq22.3.
Variant type: single nucleotide variant.
Coding change: c.4623T>G on transcript NM_033380.3 (MANE Select); coding-DNA position 4623, T replaced by G.
Protein change: p.Tyr1541Ter; replaces tyrosine 1541 with a stop codon.
Molecular consequence: nonsense.
Genome position (GRCh38, 1-based): chrX:108,692,842, T>G. VCF-style: chrX-108692842-T-G. GRCh37 (hg19) VCF-style: chrX-107936072-T-G.
Other names: c.4605T>G, p.Tyr1535Ter (NM_000495.5); short protein forms Y1535*, Y1541*.
Identifiers: ClinVar variation 2125952 (VCV002125952.4), dbSNP rs2524646246, ClinGen allele CA413855616.